The following is an entry in ClinVar:

NM_018489.3(ASH1L):c.389A>G (p.Asp130Gly)

Gene: ASH1L (ASH1 like histone lysine methyltransferase; minus strand). Cytogenetic location: 1q22.
Variant type: single nucleotide variant.
Coding change: c.389A>G on transcript NM_018489.3 (MANE Select); coding-DNA position 389, A replaced by G.
Protein change: p.Asp130Gly; replaces aspartic acid 130 with glycine.
Molecular consequence: missense variant.
Genome position (GRCh38, 1-based): chr1:155,521,131, T>C on the plus strand (A>G on the coding strand, the complement: ASH1L is on the minus strand). VCF-style: chr1-155521131-T-C. GRCh37 (hg19) VCF-style: chr1-155490922-T-C.
Other names: c.389A>G, p.Asp130Gly (NM_001366177.2); short protein forms D130G.
Identifiers: ClinVar variation 3378325 (VCV003378325.1).

ClinVar aggregate classification (germline): Uncertain significance (1 of 4 stars; one submission).

Submission:

GeneDx
Classification: Uncertain significance. Last evaluated: 2024-05-14. Review status: criteria provided, single submitter. Criteria: GeneDx Variant Classification Process June 2021. Collection method: clinical testing. Allele origin: germline. Affected: yes.
Comment: In silico analysis indicates that this missense variant does not alter protein structure/function; Has not been previously published as pathogenic or benign to our knowledge